The following is an entry in ClinVar:

NM_000059.3:c.2844_2845insAlu

Gene: BRCA2 (BRCA2 DNA repair associated; plus strand). Cytogenetic location: 13q13.1.
Variant type: Insertion.
Identifiers: ClinVar variation 870254 (VCV000870254.1).

ClinVar aggregate classification (germline): Pathogenic (1 of 4 stars; one submission).

Conditions:
Hereditary breast ovarian cancer syndrome. Also called: Hereditary breast and ovarian cancer syndrome (HBOC); Hereditary breast and/or ovarian cancer syndrome; Hereditary breast and ovarian cancer syndrome; Breast and ovarian cancer; BRCA1- and BRCA2-Associated Hereditary Breast and Ovarian Cancer; Hereditary breast and ovarian cancer. Identifiers: Orphanet 145, MedGen C0677776, MeSH D061325, MONDO:0003582. Disease mechanism: loss of function.

Submission:

Labcorp Genetics (formerly Invitae), Labcorp
Classification: Pathogenic for Hereditary breast and ovarian cancer syndrome. Last evaluated: 2019-12-11. Review status: criteria provided, single submitter. Criteria: Invitae Variant Classification Sherloc (09022015). Collection method: clinical testing. Allele origin: germline.
Comment: This sequence change inserts a large fragment of DNA, likely a transposable element, in exon 11 of the BRCA2 gene (c.2844_2845insAlu), causing a frameshift at codon 948 (p.Val948fs). The exact size and sequence of the insertion cannot be determined by the current assay. However, the insertion is expected to result in an absent or disrupted protein product. This variant has not been reported in the literature in individuals with BRCA2-related disease. Retrotransposon insertions including LINE1 (L1), Alu, and SVA (SINE-VNTR-Alu) have been reported to be disease-causing through disruption of either a coding region or splice site (PMID: 19763152, 20307669, 22406018) and loss-of-function variants in BRCA2 are known to be pathogenic (PMID: 20104584). For these reasons, this allele has been classified as Pathogenic.

Literature cited by the submitters: PubMed 19763152; PubMed 20104584; PubMed 20307669; PubMed 22406018.